The following is an entry in ClinVar:

ClinVar aggregate classification (germline): Uncertain significance (1 of 4 stars; one submission).

Conditions:
Aortic aneurysm, familial thoracic 4 (AAT4). Also called: AORTIC ANEURYSM/AORTIC DISSECTION AND PATENT DUCTUS ARTERIOSUS. Identifiers: MedGen C1851504, MONDO:0007568, OMIM 132900.

Submission:

Labcorp Genetics (formerly Invitae), Labcorp
Classification: Uncertain significance for Aortic aneurysm, familial thoracic 4. Last evaluated: 2019-08-16. Review status: criteria provided, single submitter. Criteria: Invitae Variant Classification Sherloc (09022015). Collection method: clinical testing. Allele origin: germline.
Comment: This variant has not been reported in the literature in individuals with MYH11-related conditions. This sequence change replaces lysine with glutamic acid at codon 1634 of the MYH11 protein (p.Lys1634Glu). The lysine residue is highly conserved and there is a small physicochemical difference between lysine and glutamic acid. This variant is not present in population databases (ExAC no frequency). Algorithms developed to predict the effect of missense changes on protein structure and function are either unavailable or do not agree on the potential impact of this missense change (SIFT: "Deleterious"; PolyPhen-2: "Benign"; Align-GVGD: "Class C0"). In summary, the available evidence is currently insufficient to determine the role of this variant in disease. Therefore, it has been classified as a Variant of Uncertain Significance.

NM_002474.3(MYH11):c.4879A>G (p.Lys1627Glu)

Genes: MYH11 (myosin heavy chain 11; minus strand), NDE1 (nudE neurodevelopment protein 1; plus strand). Cytogenetic location: 16p13.11.
Variant type: single nucleotide variant.
Coding change: c.4879A>G on transcript NM_002474.3 (MANE Select); coding-DNA position 4879, A replaced by G.
Protein change: p.Lys1627Glu; replaces lysine 1627 with glutamic acid.
Molecular consequence: missense variant. On other transcripts: intron variant (2).
Genome position (GRCh38, 1-based): chr16:15,720,225, T>C on the plus strand (A>G on the coding strand, the complement: MYH11 is on the minus strand). VCF-style: chr16-15720225-T-C. GRCh37 (hg19) VCF-style: chr16-15814082-T-C.
Other names: c.4900A>G, p.Lys1634Glu (NM_001040113.2, NM_001040114.2); c.4879A>G, p.Lys1627Glu (NM_022844.3); c.948-3966T>C (NM_001143979.2, NM_017668.3); short protein forms K1627E, K1634E.
Identifiers: ClinVar variation 946114 (VCV000946114.9), dbSNP rs2040394221, ClinGen allele CA394852478.